The following is an entry in ClinVar:

ClinVar aggregate classification (germline): Uncertain significance. Review status: criteria provided, multiple submitters, no conflicts (2 of 4 stars). 2 submissions from 2 submitters: Uncertain significance (2). Last evaluated 2023-12-11.

Submissions (2):

Labcorp Genetics (formerly Invitae), Labcorp
Classification: Uncertain significance. Last evaluated: 2023-12-11. Review status: criteria provided, single submitter. Criteria: Invitae Variant Classification Sherloc (09022015). Collection method: clinical testing. Allele origin: germline.
Comment: This sequence change replaces threonine, which is neutral and polar, with alanine, which is neutral and non-polar, at codon 788 of the IGF1R protein (p.Thr788Ala). This variant is not present in population databases (gnomAD no frequency). This variant has not been reported in the literature in individuals affected with IGF1R-related conditions. ClinVar contains an entry for this variant (Variation ID: 2505788). Advanced modeling of protein sequence and biophysical properties (such as structural, functional, and spatial information, amino acid conservation, physicochemical variation, residue mobility, and thermodynamic stability) performed at Invitae indicates that this missense variant is not expected to disrupt IGF1R protein function with a negative predictive value of 80%. In summary, the available evidence is currently insufficient to determine the role of this variant in disease. Therefore, it has been classified as a Variant of Uncertain Significance.

GeneDx
Classification: Uncertain significance. Last evaluated: 2022-12-11. Review status: criteria provided, single submitter. Criteria: GeneDx Variant Classification Process June 2021. Collection method: clinical testing. Allele origin: germline. Affected: yes.
Comment: Not observed at significant frequency in large population cohorts (gnomAD); In silico analysis supports that this missense variant does not alter protein structure/function; Has not been previously published as pathogenic or benign to our knowledge

NM_000875.5(IGF1R):c.2362A>G (p.Thr788Ala)

Gene: IGF1R (insulin like growth factor 1 receptor; plus strand). Cytogenetic location: 15q26.3.
Variant type: single nucleotide variant.
Coding change: c.2362A>G on transcript NM_000875.5 (MANE Select); coding-DNA position 2362, A replaced by G.
Protein change: p.Thr788Ala; replaces threonine 788 with alanine.
Molecular consequence: missense variant.
Genome position (GRCh38, 1-based): chr15:98,922,308, A>G. VCF-style: chr15-98922308-A-G. GRCh37 (hg19) VCF-style: chr15-99465537-A-G.
Other names: c.2362A>G, p.Thr788Ala (NM_001291858.2); short protein forms T788A.
Identifiers: ClinVar variation 2505788 (VCV002505788.4), dbSNP rs2506034374, ClinGen allele CA393681067.